The following is an entry in ClinVar:

NM_000038.6(APC):c.5092G>T (p.Asp1698Tyr)

Gene: APC (APC regulator of Wnt signaling pathway; plus strand). Cytogenetic location: 5q22.2.
Variant type: single nucleotide variant.
Coding change: c.5092G>T on transcript NM_000038.6 (MANE Select); coding-DNA position 5092, G replaced by T.
Protein change: p.Asp1698Tyr; replaces aspartic acid 1698 with tyrosine.
Molecular consequence: missense variant. On other transcripts: non-coding transcript variant (2).
Genome position (GRCh38, 1-based): chr5:112,840,686, G>T. VCF-style: chr5-112840686-G-T. GRCh37 (hg19) VCF-style: chr5-112176383-G-T.
Other names: c.5092G>T, p.Asp1698Tyr (NM_001127510.3, NM_001354895.2, NM_001407450.1); c.5038G>T, p.Asp1680Tyr (NM_001127511.3); c.5146G>T, p.Asp1716Tyr (NM_001354896.2, NM_001407447.1, NM_001407448.1 and 1 more transcripts); c.5122G>T, p.Asp1708Tyr (NM_001354897.2); c.5017G>T, p.Asp1673Tyr (NM_001354898.2); c.5008G>T, p.Asp1670Tyr (NM_001354899.2); c.4969G>T, p.Asp1657Tyr (NM_001354900.2); c.4915G>T, p.Asp1639Tyr (NM_001354901.2, NM_001407453.1); and 11 more; short protein forms D1314Y, D1670Y, D1680Y, D1698Y, D1569Y, D1615Y, D1673Y, D1708Y.
Identifiers: ClinVar variation 5024541 (VCV005024541.1).

ClinVar aggregate classification (germline): Uncertain significance (1 of 4 stars; one submission).

Conditions:
Hereditary cancer-predisposing syndrome. Also called: Neoplastic Syndromes, Hereditary; Tumor predisposition; Hereditary neoplastic syndrome; Hereditary Cancer Syndrome. Identifiers: Orphanet 140162, MedGen C0027672, MeSH D009386, MONDO:0015356.

Submission:

Ambry Genetics
Classification: Uncertain significance for Hereditary cancer-predisposing syndrome. Last evaluated: 2026-06-15. Review status: criteria provided, single submitter. Criteria: Ambry Variant Classification Scheme 2023. Collection method: clinical testing. Allele origin: germline.
Comment: The p.D1698Y variant (also known as c.5092G>T), located in coding exon 15 of the APC gene, results from a G to T substitution at nucleotide position 5092. The aspartic acid at codon 1698 is replaced by tyrosine, an amino acid with highly dissimilar properties. This amino acid position is conserved. In addition, in silico predictors for this gene do not accurately predict pathogenicity. Based on the available evidence, the clinical significance of this variant remains unclear.